The following is an entry in ClinVar:

ClinVar aggregate classification (germline): Uncertain significance. Review status: criteria provided, multiple submitters, no conflicts (2 of 4 stars). 2 submissions from 2 submitters: Uncertain significance (2). Last evaluated 2024-10-14.

Allele frequency attached by ClinVar (database versions not stated): gnomAD exomes below 0.00001.
gnomAD v4.1: 8 of 1,614,132 alleles (0.0005%); highest among the groups gnomAD compares: Middle Eastern, 0.049%; no homozygotes.

Submissions (2):

GeneDx
Classification: Uncertain significance. Last evaluated: 2024-10-14. Review status: criteria provided, single submitter. Criteria: GeneDx Variant Classification Process June 2021. Collection method: clinical testing. Allele origin: germline. Affected: yes.
Comment: Not observed at significant frequency in large population cohorts (gnomAD); In silico analysis indicates that this missense variant does not alter protein structure/function; Has not been previously published as pathogenic or benign to our knowledge

Labcorp Genetics (formerly Invitae), Labcorp
Classification: Uncertain significance. Last evaluated: 2021-09-01. Review status: criteria provided, single submitter. Criteria: Invitae Variant Classification Sherloc (09022015). Collection method: clinical testing. Allele origin: germline.
Comment: This sequence change replaces isoleucine with valine at codon 3348 of the USH2A protein (p.Ile3348Val). The isoleucine residue is weakly conserved and there is a small physicochemical difference between isoleucine and valine. This variant is not present in population databases (ExAC no frequency). This variant has not been reported in the literature in individuals affected with USH2A-related conditions. Algorithms developed to predict the effect of missense changes on protein structure and function output the following: SIFT: "Tolerated"; PolyPhen-2: "Benign"; Align-GVGD: "Class C0". The valine amino acid residue is found in multiple mammalian species, which suggests that this missense change does not adversely affect protein function. In summary, the available evidence is currently insufficient to determine the role of this variant in disease. Therefore, it has been classified as a Variant of Uncertain Significance.

NM_206933.4(USH2A):c.10042A>G (p.Ile3348Val)

Gene: USH2A (usherin; minus strand). Cytogenetic location: 1q41.
Variant type: single nucleotide variant.
Coding change: c.10042A>G on transcript NM_206933.4 (MANE Select); coding-DNA position 10042, A replaced by G.
Protein change: p.Ile3348Val; replaces isoleucine 3348 with valine.
Molecular consequence: missense variant.
Genome position (GRCh38, 1-based): chr1:215,790,199, T>C on the plus strand (A>G on the coding strand, the complement: USH2A is on the minus strand). VCF-style: chr1-215790199-T-C. GRCh37 (hg19) VCF-style: chr1-215963541-T-C.
Other names: c.10042A>G (NM_206933.2); short protein forms I3348V.
Identifiers: ClinVar variation 1407184 (VCV001407184.6), dbSNP rs1198189028, ClinGen allele CA344844269.